The following is an entry in ClinVar:

ClinVar aggregate classification (germline): Uncertain significance. Review status: criteria provided, multiple submitters, no conflicts (2 of 4 stars). 3 submissions from 3 submitters: Uncertain significance (3). Last evaluated 2023-05-26.

Conditions:
Hypogonadotropic hypogonadism 2 with or without anosmia (HH2). Also called: HYPOGONADOTROPIC HYPOGONADISM 2 WITH OR WITHOUT ANOSMIA, SUSCEPTIBILITY TO; HYPOGONADOTROPIC HYPOGONADISM 2 WITHOUT ANOSMIA, SUSCEPTIBILITY TO; HYPOGONADOTROPIC HYPOGONADISM 2 WITHOUT ANOSMIA; FGFR1-Related GnRH Deficiency (Kallmann Syndrome 2). Identifiers: Orphanet 478, MedGen C1563720, MONDO:0007844, OMIM 147950. Disease mechanism: loss of function.
Pfeiffer syndrome (ACS5). Also called: ACS V. Identifiers: Orphanet 710, MedGen C0220658, MONDO:0007043, OMIM 101600.

Allele frequency attached by ClinVar (database versions not stated): gnomAD 0.00001; gnomAD exomes 0.00001 and 0.00002; TOPMed 0.00001; ExAC 0.00002.
gnomAD v4.1: 28 of 1,612,688 alleles (0.0017%); highest among the groups gnomAD compares: East Asian, 0.0045%; no homozygotes.

Submissions (3):

GeneDx
Classification: Uncertain significance. Last evaluated: 2023-05-26. Review status: criteria provided, single submitter. Criteria: GeneDx Variant Classification Process June 2021. Collection method: clinical testing. Allele origin: germline. Affected: yes.
Comment: In silico analysis supports that this missense variant has a deleterious effect on protein structure/function; Has not been previously published as pathogenic or benign to our knowledge; This variant is associated with the following publications: (PMID: 27896051, 25157968, 17344846, 33081025, 33268819)

Reproductive Endocrine Unit, Massachusetts General Hospital
Classification: Uncertain significance for Hypogonadotropic hypogonadism 2 with or without anosmia. Last evaluated: 2023-05-04. Review status: criteria provided, single submitter. Criteria: ACMG Guidelines, 2015. Collection method: research. Allele origin: unknown. Affected: yes. Observed: 1 variant allele.

Labcorp Genetics (formerly Invitae), Labcorp
Classification: Uncertain significance for Pfeiffer syndrome; Hypogonadotropic hypogonadism 2 with or without anosmia. Last evaluated: 2023-04-09. Review status: criteria provided, single submitter. Criteria: Invitae Variant Classification Sherloc (09022015). Collection method: clinical testing. Allele origin: germline.
Comment: In summary, the available evidence is currently insufficient to determine the role of this variant in disease. Therefore, it has been classified as a Variant of Uncertain Significance. Advanced modeling of protein sequence and biophysical properties (such as structural, functional, and spatial information, amino acid conservation, physicochemical variation, residue mobility, and thermodynamic stability) has been performed at Invitae for this missense variant, however the output from this modeling did not meet the statistical confidence thresholds required to predict the impact of this variant on FGFR1 protein function. ClinVar contains an entry for this variant (Variation ID: 376297). This variant has not been reported in the literature in individuals affected with FGFR1-related conditions. This variant is present in population databases (rs121913473, gnomAD 0.006%). This sequence change replaces serine, which is neutral and polar, with leucine, which is neutral and non-polar, at codon 125 of the FGFR1 protein (p.Ser125Leu).

NM_023110.3(FGFR1):c.374C>T (p.Ser125Leu)

Gene: FGFR1 (fibroblast growth factor receptor 1; minus strand). Cytogenetic location: 8p11.23.
Variant type: single nucleotide variant.
Coding change: c.374C>T on transcript NM_023110.3 (MANE Select); coding-DNA position 374, C replaced by T.
Protein change: p.Ser125Leu; replaces serine 125 with leucine.
Molecular consequence: missense variant.
Genome position (GRCh38, 1-based): chr8:38,428,420, G>A on the plus strand (C>T on the coding strand, the complement: FGFR1 is on the minus strand). VCF-style: chr8-38428420-G-A. GRCh37 (hg19) VCF-style: chr8-38285938-G-A.
Other names: c.374C>T (NM_023110.2); c.374C>T, p.Ser125Leu (NM_001174063.2, NM_001174065.2, NM_001354367.2 and 2 more transcripts); c.350C>T, p.Ser117Leu (NM_001174064.2); c.107C>T, p.Ser36Leu (NM_001174066.2, NM_001354368.2, NM_001354370.2 and 2 more transcripts); c.473C>T, p.Ser158Leu (NM_001174067.2); short protein forms S125L, S158L, S117L, S36L.
Identifiers: ClinVar variation 376297 (VCV000376297.6), dbSNP rs121913473, ClinGen allele CA4718768.